The following is an entry in ClinVar:

ClinVar aggregate classification (germline): Pathogenic/Likely pathogenic. Review status: criteria provided, multiple submitters, no conflicts (2 of 4 stars). 5 submissions from 5 submitters: Pathogenic (4); Likely pathogenic (1). Last evaluated 2025-05-12.

Conditions:
DICER1-related tumor predisposition. Also called: DICER1 syndrome; DICER1-related pleuropulmonary blastoma cancer predisposition syndrome. Identifiers: Orphanet 284343, MedGen C3839822, MONDO:0100216.

Submissions (5):

Molecular Pathology, Peter Maccallum Cancer Centre
Classification: Pathogenic for DICER1-related tumor predisposition. Last evaluated: 2025-05-12. Review status: criteria provided, single submitter. Criteria: ACMG Guidelines, 2015. Collection method: clinical testing. Allele origin: germline. Inheritance: Autosomal dominant inheritance.

Victorian Clinical Genetics Services, Murdoch Childrens Research Institute
Classification: Pathogenic for DICER1-related tumor predisposition. Last evaluated: 2024-11-28. Review status: criteria provided, single submitter. Criteria: ACMG Guidelines, 2015. Collection method: clinical testing. Allele origin: germline.
Comment: This variant is classified as Pathogenic. Evidence in support of pathogenic classification: Variant is predicted to cause nonsense-mediated decay (NMD) and loss of protein (premature termination codon is located at least 54 nucleotides upstream of the final exon-exon junction); Variant is absent from gnomAD (v2, v3 and v4); This variant has limited previous evidence of pathogenicity in unrelated individuals. It has been reported in the literature as heterozygous in an individual with granulosa cell tumour (PMID: 38898688); Other NMD-predicted variant(s) comparable to the one identified in this case have very strong previous evidence for pathogenicity (DECIPHER). Additional information: This variant is heterozygous; This gene is associated with autosomal dominant disease; No published segregation evidence has been identified for this variant; No published functional evidence has been identified for this variant; Loss of function is a known mechanism of disease in this gene and is associated with DICER1-related conditions; Inheritance information for this variant is not currently available in this individual.

Department of Pathology and Laboratory Medicine, Sinai Health System
Classification: Likely pathogenic for DICER1-related tumor predisposition. Last evaluated: 2024-11-19. Review status: criteria provided, single submitter. Criteria: ACMG Guidelines, 2015. Collection method: clinical testing. Allele origin: germline.

Foulkes Cancer Genetics LDI, Lady Davis Institute for Medical Research
Classification: Pathogenic for Pleuropulmonary blastoma. Last evaluated: 2019-07-01. Review status: criteria provided, single submitter. Criteria: ACMG Guidelines, 2015. Collection method: curation. Allele origin: de novo. Affected: yes. Observed: 1 variant allele.
Comment: ACMG criteria met: PVS1, PM2, PP4

International Pleuropulmonary Blastoma Registry, Children's Hospitals and Clinics of Minnesota
Classification: Pathogenic for Pleuropulmonary blastoma. Last evaluated: 2014-11-11. Review status: criteria provided, single submitter. Criteria: Hill et al. (Science. 2009). Collection method: clinical testing. Allele origin: somatic. Affected: yes. Study: PPB-DICER1 Genetic study.

Literature cited by the submitters: PubMed 38898688 (cited by Victorian Clinical Genetics Services, Murdoch Childrens Research Institute); PubMed 26925222 (cited by Foulkes Cancer Genetics LDI, Lady Davis Institute for Medical Research and International Pleuropulmonary Blastoma Registry, Children's Hospitals and Clinics of Minnesota).

NM_177438.3(DICER1):c.745C>T (p.Gln249Ter)

Gene: DICER1 (dicer 1, ribonuclease III; minus strand). Cytogenetic location: 14q32.13.
Variant type: single nucleotide variant.
Coding change: c.745C>T on transcript NM_177438.3 (MANE Select); coding-DNA position 745, C replaced by T.
Protein change: p.Gln249Ter; replaces glutamine 249 with a stop codon.
Molecular consequence: nonsense.
Genome position (GRCh38, 1-based): chr14:95,126,738, G>A on the plus strand (C>T on the coding strand, the complement: DICER1 is on the minus strand). VCF-style: chr14-95126738-G-A. GRCh37 (hg19) VCF-style: chr14-95593075-G-A.
Other names: c.745C>T, p.Gln249Ter (NM_001195573.1, NM_001271282.3, NM_001291628.2 and 1 more transcripts); short protein forms Q249*.
Identifiers: ClinVar variation 254353 (VCV000254353.9), dbSNP rs886037732, ClinGen allele CA10586465.
Genomic context (GRCh38, chr14:95,126,738, plus strand): 5'-TTTCATAAAGCCCACTTCTGTCAGTAAATGGTCCACAATCCACCACAATCTCACATGGCT[G>A]AGAAGTATACCTTTAACATAAGAAACAAAAGGTATCAATACTGCAGTAGTGAGAATGCAA-3'